The following is an entry in ClinVar:

NM_006231.4(POLE):c.4481A>G (p.Gln1494Arg)

Gene: POLE (DNA polymerase epsilon, catalytic subunit; minus strand). Cytogenetic location: 12q24.33.
Variant type: single nucleotide variant.
Coding change: c.4481A>G on transcript NM_006231.4 (MANE Select); coding-DNA position 4481, A replaced by G.
Protein change: p.Gln1494Arg; replaces glutamine 1494 with arginine.
Molecular consequence: missense variant.
Genome position (GRCh38, 1-based): chr12:132,643,294, T>C on the plus strand (A>G on the coding strand, the complement: POLE is on the minus strand). VCF-style: chr12-132643294-T-C. GRCh37 (hg19) VCF-style: chr12-133219880-T-C.
Other names: c.4481A>G (NM_006231.2); short protein forms Q1494R.
Identifiers: ClinVar variation 1480796 (VCV001480796.8), dbSNP rs769421539, ClinGen allele CA6892827.

ClinVar aggregate classification (germline): Uncertain significance. Review status: criteria provided, multiple submitters, no conflicts (2 of 4 stars). 3 submissions from 3 submitters: Uncertain significance (3). Last evaluated 2023-09-21.

Conditions:
Hereditary cancer-predisposing syndrome. Also called: Tumor predisposition; Hereditary Cancer Syndrome; Hereditary neoplastic syndrome; Neoplastic Syndromes, Hereditary. Identifiers: Orphanet 140162, MedGen C0027672, MeSH D009386, MONDO:0015356.

Allele frequency attached by ClinVar (database versions not stated): gnomAD exomes 0.00001 and 0.00002; ExAC 0.00002.
gnomAD v4.1: 5 of 1,613,998 alleles (0.00031%); highest among the groups gnomAD compares: South Asian, 0.0055%; no homozygotes.

Submissions (3):

Ambry Genetics
Classification: Uncertain significance for Hereditary cancer-predisposing syndrome. Last evaluated: 2023-09-21. Review status: criteria provided, single submitter. Criteria: Ambry Variant Classification Scheme 2023. Collection method: clinical testing. Allele origin: germline.
Comment: The p.Q1494R variant (also known as c.4481A>G), located in coding exon 35 of the POLE gene, results from an A to G substitution at nucleotide position 4481. The glutamine at codon 1494 is replaced by arginine, an amino acid with highly similar properties. This amino acid position is conserved. In addition, the in silico prediction for this alteration is inconclusive. Since supporting evidence is limited at this time, the clinical significance of this alteration remains unclear.

GeneDx
Classification: Uncertain significance. Last evaluated: 2023-06-29. Review status: criteria provided, single submitter. Criteria: GeneDx Variant Classification Process June 2021. Collection method: clinical testing. Allele origin: germline. Affected: yes.
Comment: In silico analysis supports that this missense variant does not alter protein structure/function; Has not been previously published as pathogenic or benign to our knowledge

Labcorp Genetics (formerly Invitae), Labcorp
Classification: Uncertain significance. Last evaluated: 2022-09-19. Review status: criteria provided, single submitter. Criteria: Invitae Variant Classification Sherloc (09022015). Collection method: clinical testing. Allele origin: germline.
Comment: In summary, the available evidence is currently insufficient to determine the role of this variant in disease. Therefore, it has been classified as a Variant of Uncertain Significance. Advanced modeling of protein sequence and biophysical properties (such as structural, functional, and spatial information, amino acid conservation, physicochemical variation, residue mobility, and thermodynamic stability) performed at Invitae indicates that this missense variant is not expected to disrupt POLE protein function. ClinVar contains an entry for this variant (Variation ID: 1480796). This variant has not been reported in the literature in individuals affected with POLE-related conditions. This variant is present in population databases (rs769421539, gnomAD 0.02%). This sequence change replaces glutamine, which is neutral and polar, with arginine, which is basic and polar, at codon 1494 of the POLE protein (p.Gln1494Arg).